The following is an entry in ClinVar:

NM_139248.3(LIPH):c.982+1G>C

Gene: LIPH (lipase H; minus strand). Cytogenetic location: 3q27.2.
Variant type: single nucleotide variant.
Coding change: c.982+1G>C on transcript NM_139248.3 (MANE Select); the canonical splice donor site of the intron after coding-DNA position 982, G replaced by C.
Molecular consequence: splice donor variant.
Genome position (GRCh38, 1-based): chr3:185,517,066, C>G on the plus strand (G>C on the coding strand, the complement: LIPH is on the minus strand). VCF-style: chr3-185517066-C-G. GRCh37 (hg19) VCF-style: chr3-185234854-C-G.
Identifiers: ClinVar variation 3682459 (VCV003682459.2).

ClinVar aggregate classification (germline): Likely pathogenic (1 of 4 stars; one submission).

gnomAD v4.1: 39 of 1,600,688 alleles (0.0024%); highest among the groups gnomAD compares: Non-Finnish European, 0.0033%; no homozygotes.

Submission:

Labcorp Genetics (formerly Invitae), Labcorp
Classification: Likely pathogenic. Last evaluated: 2024-02-17. Review status: criteria provided, single submitter. Criteria: Invitae Variant Classification Sherloc (09022015). Collection method: clinical testing. Allele origin: germline.
Comment: This sequence change affects a donor splice site in intron 7 of the LIPH gene. It is expected to disrupt RNA splicing. Variants that disrupt the donor or acceptor splice site typically lead to a loss of protein function (PMID: 16199547), and loss-of-function variants in LIPH are known to be pathogenic (PMID: 17333281, 18445047). This variant is present in population databases (rs778065986, gnomAD 0.002%). This variant has not been reported in the literature in individuals affected with LIPH-related conditions. Algorithms developed to predict the effect of sequence changes on RNA splicing suggest that this variant may disrupt the consensus splice site. In summary, the currently available evidence indicates that the variant is pathogenic, but additional data are needed to prove that conclusively. Therefore, this variant has been classified as Likely Pathogenic.

Literature cited by the submitters: PubMed 16199547; PubMed 17333281; PubMed 18445047.